The following is an entry in ClinVar:

NM_015340.4(LARS2):c.2421G>A (p.Pro807=)

Gene: LARS2 (leucyl-tRNA synthetase 2, mitochondrial; plus strand). Cytogenetic location: 3p21.31.
Variant type: single nucleotide variant.
Coding change: c.2421G>A on transcript NM_015340.4 (MANE Select); coding-DNA position 2421, G replaced by A.
Protein change: p.Pro807=; no amino-acid change (proline 807 retained).
Molecular consequence: synonymous variant.
Genome position (GRCh38, 1-based): chr3:45,541,845, G>A. VCF-style: chr3-45541845-G-A. GRCh37 (hg19) VCF-style: chr3-45583337-G-A.
Other names: c.2421G>A, p.Pro807= (NM_001368263.1).
Identifiers: ClinVar variation 1178480 (VCV001178480.19), dbSNP rs777901333, ClinGen allele CA2349897.
Genomic context (GRCh38, chr3:45,541,845, plus strand): 5'-CTGTTCTTAGAGTGACCCCACGCTTCTGTGCCTCGGCATTGCAGGCCTGGCGCTGGTGCC[G>A]AGGAAGCTCTGTGCCCACTACACTTGGGATGCCAGTGTGCTGCTCCAGGCATGGCCTGCT-3'
Protein context (NP_056155.1, residues 797-817): SEIWAGLALV[Pro807=]RKLCAHYTWD

ClinVar aggregate classification (germline): Likely benign. Review status: criteria provided, multiple submitters, no conflicts (2 of 4 stars). 3 submissions from 3 submitters: Likely benign (3). Last evaluated 2025-09-14.

Allele frequency attached by ClinVar (database versions not stated): ExAC 0.00002; gnomAD exomes 0.00003 and 0.00005; gnomAD 0.00005 and 0.00006; TOPMed 0.00005.
gnomAD v4.1: 82 of 1,614,040 alleles (0.0051%); highest among the groups gnomAD compares: Middle Eastern, 0.016%; no homozygotes.

Submissions (3):

Labcorp Genetics (formerly Invitae), Labcorp
Classification: Likely benign. Last evaluated: 2025-09-14. Review status: criteria provided, single submitter. Criteria: Invitae Variant Classification Sherloc (09022015). Collection method: clinical testing. Allele origin: germline.

CeGaT Center for Human Genetics Tuebingen
Classification: Likely benign. Last evaluated: 2025-06-01. Review status: criteria provided, single submitter. Criteria: CeGaT Center For Human Genetics Tuebingen Variant Classification Criteria Version 2. Collection method: clinical testing. Allele origin: germline. Affected: yes. Observed: 1 variant allele.
Comment: LARS2: BP4, BP7

GeneDx
Classification: Likely benign. Last evaluated: 2019-11-29. Review status: criteria provided, single submitter. Criteria: GeneDx Variant Classification Process June 2021. Collection method: clinical testing. Allele origin: germline. Affected: yes.